The following is an entry in ClinVar:

NM_001128148.3(TFRC):c.1594G>A (p.Val532Ile)

Gene: TFRC (transferrin receptor; minus strand). Cytogenetic location: 3q29.
Variant type: single nucleotide variant.
Coding change: c.1594G>A on transcript NM_001128148.3 (MANE Select); coding-DNA position 1594, G replaced by A.
Protein change: p.Val532Ile; replaces valine 532 with isoleucine.
Molecular consequence: missense variant.
Genome position (GRCh38, 1-based): chr3:196,058,575, C>T on the plus strand (G>A on the coding strand, the complement: TFRC is on the minus strand). VCF-style: chr3-196058575-C-T. GRCh37 (hg19) VCF-style: chr3-195785446-C-T.
Other names: c.1351G>A, p.Val451Ile (NM_001313965.2); c.748G>A, p.Val250Ile (NM_001313966.2); c.1594G>A, p.Val532Ile (NM_003234.4); short protein forms V451I, V250I, V532I.
Identifiers: ClinVar variation 2055430 (VCV002055430.4), dbSNP rs984383830, ClinGen allele CA90746584.

ClinVar aggregate classification (germline): Uncertain significance (1 of 4 stars; one submission).

gnomAD v4.1: 3 of 1,610,872 alleles (0.00019%); highest among the groups gnomAD compares: Non-Finnish European, 0.00025%; no homozygotes.

Submission:

Labcorp Genetics (formerly Invitae), Labcorp
Classification: Uncertain significance. Last evaluated: 2022-08-15. Review status: criteria provided, single submitter. Criteria: Invitae Variant Classification Sherloc (09022015). Collection method: clinical testing. Allele origin: germline.
Comment: Algorithms developed to predict the effect of sequence changes on RNA splicing suggest that this variant may disrupt the consensus splice site. In summary, the available evidence is currently insufficient to determine the role of this variant in disease. Therefore, it has been classified as a Variant of Uncertain Significance. Algorithms developed to predict the effect of missense changes on protein structure and function (SIFT, PolyPhen-2, Align-GVGD) all suggest that this variant is likely to be tolerated. This sequence change replaces valine, which is neutral and non-polar, with isoleucine, which is neutral and non-polar, at codon 532 of the TFRC protein (p.Val532Ile). This variant is not present in population databases (gnomAD no frequency). This variant has not been reported in the literature in individuals affected with TFRC-related conditions.